The following is an entry in ClinVar:

ClinVar aggregate classification (germline): Conflicting classifications of pathogenicity. Review status: criteria provided, conflicting classifications (1 of 4 stars). 10 submissions from 9 submitters: Uncertain significance (2); Benign (2); Likely benign (5). 1 of the submissions does not count toward it. Last evaluated 2026-01-29.

Conditions:
SMARCB1-related schwannomatosis. Also called: SWNTS1; Schwannomatosis 1. Identifiers: Orphanet 93921, MedGen C4048809, MONDO:0024517, OMIM 162091. Disease mechanism: loss of function.
Rhabdoid tumor predisposition syndrome 1 (RTPS1). Also called: Familial Posterior Fossa Brain Tumor of Infancy. Identifiers: Orphanet 231108, Orphanet 69077, MedGen C1836327, MONDO:0012252, OMIM 609322.
Intellectual disability, autosomal dominant 15 (CSS3). Also called: COFFIN-SIRIS SYNDROME 3. Identifiers: Orphanet 1465, MedGen C3553248, MONDO:0013820, OMIM 614608.
Hereditary cancer-predisposing syndrome. Also called: Tumor predisposition; Hereditary neoplastic syndrome; Hereditary Cancer Syndrome; Neoplastic Syndromes, Hereditary. Identifiers: Orphanet 140162, MedGen C0027672, MeSH D009386, MONDO:0015356.

Allele frequency attached by ClinVar (database versions not stated): TOPMed 0.00003; ESP Exome Variant Server 0.00008; ExAC 0.00010; gnomAD exomes 0.00016; gnomAD 0.00020.

Submissions (10):

Labcorp Genetics (formerly Invitae), Labcorp
Classification: Likely benign. Last evaluated: 2026-01-29. Review status: criteria provided, single submitter. Criteria: Invitae Variant Classification Sherloc (09022015). Collection method: clinical testing. Allele origin: germline.

Dasa
Classification: Uncertain significance. Last evaluated: 2025-05-15. Review status: criteria provided, single submitter. Criteria: DASA Assertion Criteria. Collection method: clinical testing. Allele origin: germline.
Comment: NM_003073.5(SMARCB1):c.1A>G (p.Met1?) is a start-loss variant predicted to alter the translation initiation codon and impair normal protein translation. This variant is rare in population databases. The currently available literature and clinical evidence are not sufficient to establish a definitive association between this variant and the reported condition. Therefore, this variant is classified as a variant of uncertain significance.

Blueprint Genetics
Classification: Likely benign. Last evaluated: 2024-11-06. Review status: criteria provided, single submitter. Criteria: ACMG Guidelines, 2015. Collection method: clinical testing. Allele origin: germline.

CeGaT Center for Human Genetics Tuebingen
Classification: Likely benign. Last evaluated: 2023-05-01. Review status: criteria provided, single submitter. Criteria: CeGaT Center For Human Genetics Tuebingen Variant Classification Criteria Version 2. Collection method: clinical testing. Allele origin: germline. Affected: yes. Observed: 1 variant allele.
Comment: SMARCB1: BS1

Department of Pathology and Laboratory Medicine, Sinai Health System
Classification: Uncertain significance for SMARCB1-related schwannomatosis; Rhabdoid tumor predisposition syndrome 1; Intellectual disability, autosomal dominant 15. Last evaluated: 2022-08-17. Review status: criteria provided, single submitter. Criteria: ACMG Guidelines, 2015. Collection method: clinical testing. Allele origin: germline. Affected: yes.

Sema4
Classification: Likely benign for Hereditary cancer-predisposing syndrome. Last evaluated: 2021-01-14. Review status: criteria provided, single submitter. Criteria: Sema4 Curation Guidelines. Collection method: curation. Allele origin: germline.

Ambry Genetics
Classification: Likely benign for Hereditary cancer-predisposing syndrome. Last evaluated: 2018-11-13. Review status: criteria provided, single submitter. Criteria: Ambry Variant Classification Scheme 2023. Collection method: clinical testing. Allele origin: germline.

Illumina Laboratory Services, Illumina
Classification: Benign for Rhabdoid tumor predisposition syndrome 1. Last evaluated: 2017-04-27. Review status: criteria provided, single submitter. Criteria: ICSL Variant Classification Criteria 13 December 2019. Collection method: clinical testing. Allele origin: germline.
Comment: This variant was observed as part of a predisposition screen in an ostensibly healthy population. A literature search was performed for the gene, cDNA change, and amino acid change (where applicable). Publications were found based on this search. The evidence from the literature, in combination with allele frequency data from public databases where available, was sufficient to rule this variant out of causing disease. Therefore, this variant is classified as benign.

Illumina Laboratory Services, Illumina
Classification: Benign for SMARCB1-related schwannomatosis. Last evaluated: 2017-04-27. Review status: criteria provided, single submitter. Criteria: ICSL Variant Classification Criteria 13 December 2019. Collection method: clinical testing. Allele origin: germline.
Comment: the same text as in the submission from Illumina Laboratory Services, Illumina above.

ITMI
No classification provided. Condition: AllHighlyPenetrant. Last evaluated: 2013-09-19. Review status: no classification provided. Collection method: reference population. Allele origin: germline. Not counted in ClinVar's aggregate classification.
Comment: Please see associated publication for description of ethnicities

Literature cited by the submitters: PubMed 24728327 (cited by Illumina Laboratory Services, Illumina and ITMI).

NM_003073.5(SMARCB1):c.1A>G (p.Met1Val)

Gene: SMARCB1 (SWI/SNF related BAF chromatin remodeling complex subunit B1; plus strand). Cytogenetic location: 22q11.23.
Variant type: single nucleotide variant.
Coding change: c.1A>G on transcript NM_003073.5 (MANE Select); coding-DNA position 1, A replaced by G.
Protein change: p.Met1Val; changes the start codon (methionine 1).
Molecular consequence: missense variant, initiator codon variant.
Genome position (GRCh38, 1-based): chr22:23,787,170, A>G. VCF-style: chr22-23787170-A-G. GRCh37 (hg19) VCF-style: chr22-24129357-A-G.
Other names: c.1A>G (LRG_520t1); c.1A>G, p.Met1Val (NM_001007468.3, NM_001317946.2, NM_001362877.2); short protein forms M1V.
Identifiers: ClinVar variation 135257 (VCV000135257.49), dbSNP rs367768260, ClinGen allele CA162159.